The following is an entry in ClinVar:

ClinVar aggregate classification (germline): Uncertain significance (1 of 4 stars; one submission).

Submission:

CeGaT Center for Human Genetics Tuebingen
Classification: Uncertain significance. Last evaluated: 2022-08-01. Review status: criteria provided, single submitter. Criteria: CeGaT Center For Human Genetics Tuebingen Variant Classification Criteria Version 2. Collection method: clinical testing. Allele origin: germline. Affected: yes. Observed: 1 variant allele.
Comment: MPDZ: PM2, BP4

NM_001378778.1(MPDZ):c.3700C>G (p.Pro1234Ala)

Gene: MPDZ (multiple PDZ domain crumbs cell polarity complex component; minus strand). Cytogenetic location: 9p23.
Variant type: single nucleotide variant.
Coding change: c.3700C>G on transcript NM_001378778.1 (MANE Select); coding-DNA position 3700, C replaced by G.
Protein change: p.Pro1234Ala; replaces proline 1234 with alanine.
Molecular consequence: missense variant. On other transcripts: intron variant (8).
Genome position (GRCh38, 1-based): chr9:13,147,589, G>C on the plus strand (C>G on the coding strand, the complement: MPDZ is on the minus strand). VCF-style: chr9-13147589-G-C. GRCh37 (hg19) VCF-style: chr9-13147588-G-C.
Other names: c.3700C>G, p.Pro1234Ala (NM_001261406.2, NM_001261407.2, NM_001330637.2 and 6 more transcripts); c.3630+2922C>G (NM_001375425.1, NM_001375420.1, NM_001375423.1 and 4 more transcripts); c.3432+2922C>G (NM_001375427.1); short protein forms P1234A.
Identifiers: ClinVar variation 2659072 (VCV002659072.24), dbSNP rs1285619959, ClinGen allele CA372950450.